The following is an entry in ClinVar:

NM_001458.5(FLNC):c.1711G>A (p.Val571Met)

Gene: FLNC (filamin C; plus strand). Cytogenetic location: 7q32.1.
Variant type: single nucleotide variant.
Coding change: c.1711G>A on transcript NM_001458.5 (MANE Select); coding-DNA position 1711, G replaced by A.
Protein change: p.Val571Met; replaces valine 571 with methionine.
Molecular consequence: missense variant.
Genome position (GRCh38, 1-based): chr7:128,840,868, G>A. VCF-style: chr7-128840868-G-A. GRCh37 (hg19) VCF-style: chr7-128480922-G-A.
Other names: c.1711G>A, p.Val571Met (NM_001127487.2); short protein forms V571M.
Identifiers: ClinVar variation 1501805 (VCV001501805.8), dbSNP rs1194021325, ClinGen allele CA369226913.

ClinVar aggregate classification (germline): Uncertain significance (1 of 4 stars; one submission).

Conditions:
Hypertrophic cardiomyopathy 26. Also called: Cardiomyopathy, familial hypertrophic, 26. Identifiers: Orphanet 75249, MedGen C4310749, MONDO:0014883, OMIM 617047.
Myofibrillar myopathy 5. Also called: Filaminopathy (type); FILAMINOPATHY, AUTOSOMAL DOMINANT. Identifiers: Orphanet 171445, MedGen C1836050, MONDO:0012289, OMIM 609524.
Distal myopathy with posterior leg and anterior hand involvement. Also called: WILLIAMS DISTAL MYOPATHY. Identifiers: Orphanet 63273, MedGen C3279722, MONDO:0013550, OMIM 614065.

Submission:

Labcorp Genetics (formerly Invitae), Labcorp
Classification: Uncertain significance for Distal myopathy with posterior leg and anterior hand involvement; Myofibrillar myopathy 5; Hypertrophic cardiomyopathy 26. Last evaluated: 2023-07-28. Review status: criteria provided, single submitter. Criteria: Invitae Variant Classification Sherloc (09022015). Collection method: clinical testing. Allele origin: germline.
Comment: This sequence change replaces valine, which is neutral and non-polar, with methionine, which is neutral and non-polar, at codon 571 of the FLNC protein (p.Val571Met). This variant is not present in population databases (gnomAD no frequency). This variant has not been reported in the literature in individuals affected with FLNC-related conditions. ClinVar contains an entry for this variant (Variation ID: 1501805). Algorithms developed to predict the effect of missense changes on protein structure and function output the following: SIFT: "Not Available"; PolyPhen-2: "Benign"; Align-GVGD: "Not Available". The methionine amino acid residue is found in multiple mammalian species, which suggests that this missense change does not adversely affect protein function. In summary, the available evidence is currently insufficient to determine the role of this variant in disease. Therefore, it has been classified as a Variant of Uncertain Significance.